The following is an entry in ClinVar:

NM_182961.4(SYNE1):c.3027+18G>A

Gene: SYNE1 (spectrin repeat containing nuclear envelope protein 1; minus strand). Cytogenetic location: 6q25.2.
Variant type: single nucleotide variant.
Coding change: c.3027+18G>A on transcript NM_182961.4 (MANE Select); 18 bases into the intron after coding-DNA position 3027, G replaced by A.
Molecular consequence: intron variant.
Genome position (GRCh38, 1-based): chr6:152,453,568, C>T on the plus strand (G>A on the coding strand, the complement: SYNE1 is on the minus strand). VCF-style: chr6-152453568-C-T. GRCh37 (hg19) VCF-style: chr6-152774703-C-T.
Other names: c.3048+18G>A (NM_033071.5).
Identifiers: ClinVar variation 2137307 (VCV002137307.5), dbSNP rs2098669392, ClinGen allele CA2580075294.
Genomic context (GRCh38, chr6:152,453,568, plus strand): 5'-CTTACATTTGGACCTTAACACGCTCAAGCTTCTCCCTTCATTGAGGATGCACGGTGTCTC[C>T]GTCCTGTCCTGACTCACCTTCCATTGTTTGTGGAGCTTTCGAACAGCTTCCTGCAGCCCC-3'

ClinVar aggregate classification (germline): Likely benign. Review status: criteria provided, multiple submitters, no conflicts (2 of 4 stars). 2 submissions from 2 submitters: Likely benign (2). Last evaluated 2026-09-01.

Conditions:
Autosomal recessive ataxia, Beauce type. Also called: SYNE1-Related Autosomal Recessive Cerebellar Ataxia; Spinocerebellar ataxia, autosomal recessive 8; ATAXIA, RECESSIVE, OF BEAUCE; SYNE1 Deficiency. Identifiers: Orphanet 88644, MedGen C1853116, MONDO:0012549, OMIM 610743.
Emery-Dreifuss muscular dystrophy 4, autosomal dominant (EDMD4). Also called: EMERY-DREIFUSS MUSCULAR DYSTROPHY 4 WITH VARIABLE FEATURES. Identifiers: Orphanet 261, MedGen C2751807, MONDO:0013071, OMIM 612998.

gnomAD v4.1: 3 of 1,614,198 alleles (0.00019%); highest among the groups gnomAD compares: South Asian, 0.0011%; no homozygotes.

Submissions (2):

CeGaT Center for Human Genetics Tuebingen
Classification: Likely benign. Last evaluated: 2026-09-01. Review status: criteria provided, single submitter. Criteria: CeGaT Center For Human Genetics Tuebingen Variant Classification Criteria Version 2. Collection method: clinical testing. Allele origin: germline. Affected: yes. Observed: 1 variant allele.
Comment: SYNE1: BP4, BP7

Labcorp Genetics (formerly Invitae), Labcorp
Classification: Likely benign for Emery-Dreifuss muscular dystrophy 4, autosomal dominant; Autosomal recessive ataxia, Beauce type. Last evaluated: 2025-08-04. Review status: criteria provided, single submitter. Criteria: Invitae Variant Classification Sherloc (09022015). Collection method: clinical testing. Allele origin: germline.